The following is an entry in ClinVar:

NM_014889.4(PITRM1):c.2596G>A (p.Val866Met)

Genes: PITRM1 (pitrilysin metallopeptidase 1; minus strand), PITRM1-AS1 (PITRM1 antisense RNA 1; plus strand). Cytogenetic location: 10p15.2.
Variant type: single nucleotide variant.
Coding change: c.2596G>A on transcript NM_014889.4 (MANE Select); coding-DNA position 2596, G replaced by A.
Protein change: p.Val866Met; replaces valine 866 with methionine.
Molecular consequence: missense variant. On other transcripts: non-coding transcript variant (4).
Genome position (GRCh38, 1-based): chr10:3,143,438, C>T on the plus strand (G>A on the coding strand, the complement: PITRM1 is on the minus strand). VCF-style: chr10-3143438-C-T. GRCh37 (hg19) VCF-style: chr10-3185630-C-T.
Other names: c.2599G>A (NM_001242307.1); c.2599G>A, p.Val867Met (NM_001242307.2); c.2302G>A, p.Val768Met (NM_001242309.1); c.2398G>A, p.Val800Met (NM_001347725.2); c.1783G>A, p.Val595Met (NM_001347726.2); c.1981G>A, p.Val661Met (NM_001347727.2); c.1291G>A, p.Val431Met (NM_001347728.2); c.2572G>A, p.Val858Met (NM_001347729.1); and 1 more; short protein forms V431M, V661M, V792M, V595M, V768M, V858M, V800M, V866M.
Identifiers: ClinVar variation 2059783 (VCV002059783.9), dbSNP rs371412408, ClinGen allele CA5387325.

ClinVar aggregate classification (germline): Uncertain significance. Review status: criteria provided, multiple submitters, no conflicts (2 of 4 stars). 3 submissions from 3 submitters: Uncertain significance (3). Last evaluated 2025-09-01.

Allele frequency attached by ClinVar (database versions not stated): ESP Exome Variant Server 0.00016.
gnomAD v4.1: 130 of 1,613,714 alleles (0.0081%); highest among the groups gnomAD compares: Admixed American, 0.018%; no homozygotes.

Submissions (3):

CeGaT Center for Human Genetics Tuebingen
Classification: Uncertain significance. Last evaluated: 2025-09-01. Review status: criteria provided, single submitter. Criteria: CeGaT Center For Human Genetics Tuebingen Variant Classification Criteria Version 2. Collection method: clinical testing. Allele origin: germline. Affected: yes. Observed: 1 variant allele.
Comment: PITRM1: PM2, BP4

Ambry Genetics
Classification: Uncertain significance. Last evaluated: 2024-08-01. Review status: criteria provided, single submitter. Criteria: Ambry Variant Classification Scheme 2023. Collection method: clinical testing. Allele origin: germline.

Labcorp Genetics (formerly Invitae), Labcorp
Classification: Uncertain significance. Last evaluated: 2022-02-01. Review status: criteria provided, single submitter. Criteria: Invitae Variant Classification Sherloc (09022015). Collection method: clinical testing. Allele origin: germline.
Comment: This sequence change replaces valine, which is neutral and non-polar, with methionine, which is neutral and non-polar, at codon 768 of the PITRM1 protein (p.Val768Met). This variant is present in population databases (rs371412408, gnomAD 0.02%). This variant has not been reported in the literature in individuals affected with PITRM1-related conditions. Algorithms developed to predict the effect of missense changes on protein structure and function output the following: SIFT: "Deleterious"; PolyPhen-2: "Benign"; Align-GVGD: "Class C0". The methionine amino acid residue is found in multiple mammalian species, which suggests that this missense change does not adversely affect protein function. In summary, the available evidence is currently insufficient to determine the role of this variant in disease. Therefore, it has been classified as a Variant of Uncertain Significance.